The following is an entry in ClinVar:

NM_023036.6(DNAI2):c.900_905del (p.Thr301_Glu302del)

Gene: DNAI2 (dynein axonemal intermediate chain 2; plus strand). Cytogenetic location: 17q25.1.
Variant type: Deletion.
Coding change: c.900_905del on transcript NM_023036.6 (MANE Select); coding-DNA positions 900 to 905, 6 bases deleted (CACTGA; older notation c.900_905delCACTGA).
Protein change: p.Thr301_Glu302del.
Molecular consequence: inframe deletion. On other transcripts: non-coding transcript variant (1).
Genome position (GRCh38, 1-based): chr17:74,301,081-74,301,086, CACTGA deleted. VCF-style (leftmost placement, unchanged base first): chr17-74301080-CCACTGA-C. GRCh37 (hg19) VCF-style: chr17-72297219-CCACTGA-C.
Other names: c.900_905del, p.Thr301_Glu302del (NM_001172810.3, NM_001353167.2).
Identifiers: ClinVar variation 1351818 (VCV001351818.8), dbSNP rs2144035143, ClinGen allele CA2573154809.
Genomic context (GRCh38, chr17:74,301,080, plus strand): 5'-CTCACTGTCGCCCCTCCTCCCACCAGGTCATGTGGTGGGACATCCGAAAGATGAGCGAGC[CCACTGA>C]AGTTGTGATCTTGGACATCACCAAGAAGGAACAGTTGGAAAATGCCTTGGGGGCCATCTC-3'

ClinVar aggregate classification (germline): Uncertain significance (1 of 4 stars; one submission).

Conditions:
Primary ciliary dyskinesia. Also called: Ciliary dyskinesia. Identifiers: Orphanet 244, MedGen C0008780, MONDO:0016575, HP:0012265.

Submission:

Labcorp Genetics (formerly Invitae), Labcorp
Classification: Uncertain significance for Primary ciliary dyskinesia. Last evaluated: 2022-07-19. Review status: criteria provided, single submitter. Criteria: Invitae Variant Classification Sherloc (09022015). Collection method: clinical testing. Allele origin: germline.
Comment: This variant has not been reported in the literature in individuals affected with DNAI2-related conditions. In summary, the available evidence is currently insufficient to determine the role of this variant in disease. Therefore, it has been classified as a Variant of Uncertain Significance. Experimental studies and prediction algorithms are not available or were not evaluated, and the functional significance of this variant is currently unknown. ClinVar contains an entry for this variant (Variation ID: 1351818). This variant is not present in population databases (gnomAD no frequency). This variant, c.900_905del, results in the deletion of 2 amino acid(s) of the DNAI2 protein (p.Thr301_Glu302del), but otherwise preserves the integrity of the reading frame.